The following is an entry in ClinVar:

ClinVar aggregate classification (germline): Uncertain significance (1 of 4 stars; one submission).

Submission:

Labcorp Genetics (formerly Invitae), Labcorp
Classification: Uncertain significance. Last evaluated: 2025-01-24. Review status: criteria provided, single submitter. Criteria: Invitae Variant Classification Sherloc (09022015). Collection method: clinical testing. Allele origin: germline.
Comment: This sequence change replaces serine, which is neutral and polar, with phenylalanine, which is neutral and non-polar, at codon 1829 of the POLE protein (p.Ser1829Phe). This variant is not present in population databases (gnomAD no frequency). This variant has not been reported in the literature in individuals affected with POLE-related conditions. Invitae Evidence Modeling of protein sequence and biophysical properties (such as structural, functional, and spatial information, amino acid conservation, physicochemical variation, residue mobility, and thermodynamic stability) indicates that this missense variant is not expected to disrupt POLE protein function with a negative predictive value of 80%. In summary, the available evidence is currently insufficient to determine the role of this variant in disease. Therefore, it has been classified as a Variant of Uncertain Significance.

NM_006231.4(POLE):c.5486C>T (p.Ser1829Phe)

Gene: POLE (DNA polymerase epsilon, catalytic subunit; minus strand). Cytogenetic location: 12q24.33.
Variant type: single nucleotide variant.
Coding change: c.5486C>T on transcript NM_006231.4 (MANE Select); coding-DNA position 5486, C replaced by T.
Protein change: p.Ser1829Phe; replaces serine 1829 with phenylalanine.
Molecular consequence: missense variant.
Genome position (GRCh38, 1-based): chr12:132,639,191, G>A on the plus strand (C>T on the coding strand, the complement: POLE is on the minus strand). VCF-style: chr12-132639191-G-A. GRCh37 (hg19) VCF-style: chr12-133215777-G-A.
Other names: short protein forms S1829F.
Identifiers: ClinVar variation 3716542 (VCV003716542.2).